The following is an entry in ClinVar:

ClinVar aggregate classification (germline): Benign/Likely benign. Review status: criteria provided, multiple submitters, no conflicts (2 of 4 stars). 5 submissions from 5 submitters: Benign (3); Likely benign (1). 1 of the submissions does not count toward it. Last evaluated 2026-02-02.

Conditions:
Aicardi-Goutieres syndrome 7 (AGS7). Identifiers: Orphanet 51, MedGen C3888244, MONDO:0014367, OMIM 615846.
Singleton-Merten syndrome 1 (SGMRT1). Also called: Widened medullary cavities of bone, aortic calcification, abnormal dentition, and muscular weakness; Syndrome of widened medullary cavities of the metacarpals and phalanges, aortic calcification and abnormal dentition. Identifiers: Orphanet 85191, MedGen C4225427, MONDO:0024535, OMIM 182250.
IFIH1-related disorder. Also called: IFIH1-related condition.

Allele frequency attached by ClinVar (database versions not stated): gnomAD exomes 0.00042 and 0.00119; ExAC 0.00157; gnomAD 0.00424; TOPMed 0.00475; ESP Exome Variant Server 0.00492; 1000 Genomes Project 30x 0.00500; 1000 Genomes Project 0.00539.
gnomAD v4.1: 1,331 of 1,614,146 alleles (0.082%); highest among the groups gnomAD compares: African/African-American, 1.6%; 8 homozygotes.

Submissions (5):

Labcorp Genetics (formerly Invitae), Labcorp
Classification: Benign for Aicardi-Goutieres syndrome 7; Singleton-Merten syndrome 1. Last evaluated: 2026-02-02. Review status: criteria provided, single submitter. Criteria: Invitae Variant Classification Sherloc (09022015). Collection method: clinical testing. Allele origin: germline.

Women's Health and Genetics/Laboratory Corporation of America, LabCorp
Classification: Benign. Last evaluated: 2026-01-23. Review status: criteria provided, single submitter. Criteria: LabCorp Variant Classification Summary - May 2015. Collection method: clinical testing. Allele origin: germline.

Mayo Clinic Laboratories, Mayo Clinic
Classification: Benign. Last evaluated: 2024-02-07. Review status: criteria provided, single submitter. Criteria: ACMG Guidelines, 2015. Collection method: clinical testing. Allele origin: germline. Observed: 5 variant alleles.
Comment: BS1, BS2, BP4, BP7

GeneDx
Classification: Likely benign. Last evaluated: 2021-05-04. Review status: criteria provided, single submitter. Criteria: GeneDx Variant Classification Process June 2021. Collection method: clinical testing. Allele origin: germline. Affected: yes.

PreventionGenetics, part of Exact Sciences
Classification: Benign for IFIH1-related condition. Last evaluated: 2019-07-11. Review status: no assertion criteria provided. Collection method: clinical testing. Allele origin: germline. Not counted in ClinVar's aggregate classification.
Comment: This variant is classified as benign based on ACMG/AMP sequence variant interpretation guidelines (Richards et al. 2015 PMID: 25741868, with internal and published modifications).

NM_022168.4(IFIH1):c.258C>G (p.Thr86=)

Gene: IFIH1 (interferon induced with helicase C domain 1; minus strand). Cytogenetic location: 2q24.2.
Variant type: single nucleotide variant.
Coding change: c.258C>G on transcript NM_022168.4 (MANE Select); coding-DNA position 258, C replaced by G.
Protein change: p.Thr86=; no amino-acid change (threonine 86 retained).
Molecular consequence: synonymous variant.
Genome position (GRCh38, 1-based): chr2:162,318,050, G>C on the plus strand (C>G on the coding strand, the complement: IFIH1 is on the minus strand). VCF-style: chr2-162318050-G-C. GRCh37 (hg19) VCF-style: chr2-163174560-G-C.
Other names: p.Thr86=; c.258C>G, p.Thr86= (LRG_1235t1).
Identifiers: ClinVar variation 474953 (VCV000474953.17), dbSNP rs143870870, ClinGen allele CA1934872.